The following is an entry in ClinVar:

NM_001374828.1(ARID1B):c.2051_2052insAA (p.Tyr684Ter)

Gene: ARID1B (AT-rich interaction domain 1B; plus strand). Cytogenetic location: 6q25.3.
Variant type: Insertion.
Coding change: c.2051_2052insAA on transcript NM_001374828.1 (MANE Select); coding-DNA positions 2051 to 2052, AA inserted.
Protein change: p.Tyr684Ter; replaces tyrosine 684 with a stop codon.
Molecular consequence: nonsense.
Genome position: GRCh38 VCF-style: chr6-156901439-T-TAA. GRCh37 (hg19) VCF-style: chr6-157222573-T-TAA.
Other names: c.1841_1842insAA (NM_020732.3); c.2090_2091insAA, p.Tyr697Ter (NM_001371656.1, NM_001374820.1); c.2051_2052insAA, p.Tyr684Ter (NM_017519.3); short protein forms Y684*, Y697*.
Identifiers: ClinVar variation 973146 (VCV000973146.2), dbSNP rs1554265275, ClinGen allele CA1139659910.

ClinVar aggregate classification (germline): Pathogenic (0 of 4 stars; one submission).

Conditions:
Intellectual disability. Also called: intellectual disabilities; Intellectual developmental disorder; Intellectual functioning disability. Identifiers: MedGen C3714756, MeSH D008607, MONDO:0001071, HP:0001249.

Submission:

Diagnostic Laboratory, Strasbourg University Hospital
Classification: Pathogenic for Intellectual disability. Last evaluated: 2016-12-01. Review status: no assertion criteria provided. Collection method: clinical testing. Allele origin: de novo. Affected: yes. Observed: 1 heterozygote.
Comment: MOI : AD. Notion of inbreeding. . Nonsense